The following is an entry in ClinVar:

ClinVar aggregate classification (germline): Benign. Review status: criteria provided, multiple submitters, no conflicts (2 of 4 stars). 2 submissions from 2 submitters: Benign (2). Last evaluated 2018-01-13.

Conditions:
Cone-rod dystrophy 5 (CORD5). Identifiers: Orphanet 1872, MedGen C1832976, MONDO:0010969, OMIM 600977.

Allele frequency attached by ClinVar (database versions not stated): gnomAD 0.04672 and 0.05010; 1000 Genomes Project 0.05232; TOPMed 0.05381; 1000 Genomes Project 30x 0.05637.

Submissions (2):

Illumina Laboratory Services, Illumina
Classification: Benign for Cone-rod dystrophy 5. Last evaluated: 2018-01-13. Review status: criteria provided, single submitter. Criteria: ICSL Variant Classification Criteria 13 December 2019. Collection method: clinical testing. Allele origin: germline.
Comment: This variant was observed in the ICSL laboratory as part of a predisposition screen in an ostensibly healthy population. It had not been previously curated by ICSL or reported in the Human Gene Mutation Database (HGMD: prior to June 1st, 2018), and was therefore a candidate for classification through an automated scoring system. Utilizing variant allele frequency, disease prevalence and penetrance estimates, and inheritance mode, an automated score was calculated to assess if this variant is too frequent to cause the disease. Based on the score and internal cut-off values, a variant classified as benign is not then subjected to further curation. The score for this variant resulted in a classification of benign for this disease.

Breakthrough Genomics
Classification: Benign. Review status: criteria provided, single submitter. Criteria: ACMG Guidelines, 2015. Collection method: not provided. Allele origin: germline. Inheritance: Autosomal dominant inheritance. Affected: yes.

NM_031220.4(PITPNM3):c.*3878G>A

Genes: PITPNM3 (PITPNM family member 3; minus strand), PIMREG (PICALM interacting mitotic regulator; plus strand). Cytogenetic location: 17p13.2.
Variant type: single nucleotide variant.
Coding change: c.*3878G>A on transcript NM_031220.4 (MANE Select); 3878 bases downstream of the stop codon, G replaced by A.
Molecular consequence: 3 prime UTR variant.
Genome position (GRCh38, 1-based): chr17:6,451,460, C>T on the plus strand (G>A on the coding strand, the complement: PITPNM3 is on the minus strand). VCF-style: chr17-6451460-C-T. GRCh37 (hg19) VCF-style: chr17-6354780-C-T.
Other names: c.*1038C>T (NM_001195228.2); c.*1113C>T (NM_019013.3); c.*3878G>A (NM_001165966.2).
Identifiers: ClinVar variation 324653 (VCV000324653.6), dbSNP rs56787229, ClinGen allele CA10640252.